The following is an entry in ClinVar:

NM_004370.6(COL12A1):c.1508T>C (p.Ile503Thr)

Gene: COL12A1 (collagen type XII alpha 1 chain; minus strand). Cytogenetic location: 6q13.
Variant type: single nucleotide variant.
Coding change: c.1508T>C on transcript NM_004370.6 (MANE Select); coding-DNA position 1508, T replaced by C.
Protein change: p.Ile503Thr; replaces isoleucine 503 with threonine.
Molecular consequence: missense variant. On other transcripts: intron variant (1).
Genome position (GRCh38, 1-based): chr6:75,183,433, A>G on the plus strand (T>C on the coding strand, the complement: COL12A1 is on the minus strand). VCF-style: chr6-75183433-A-G. GRCh37 (hg19) VCF-style: chr6-75893149-A-G.
Other names: c.73+19287T>C (NM_080645.3); short protein forms I503T.
Identifiers: ClinVar variation 1715300 (VCV001715300.6), dbSNP rs2533567372, ClinGen allele CA364769867.

ClinVar aggregate classification (germline): Uncertain significance (1 of 4 stars; one submission).

Conditions:
Ullrich congenital muscular dystrophy 2 (UCMD2). Identifiers: Orphanet 75840, MedGen C4225314, MONDO:0014654, OMIM 616470.
Bethlem myopathy 2 (BTHLM2). Identifiers: Orphanet 536516, Orphanet 610, MedGen C4225313, MONDO:0034022, OMIM 616471.

Submission:

Labcorp Genetics (formerly Invitae), Labcorp
Classification: Uncertain significance for Bethlem myopathy 2; Ullrich congenital muscular dystrophy 2. Last evaluated: 2022-08-20. Review status: criteria provided, single submitter. Criteria: Invitae Variant Classification Sherloc (09022015). Collection method: clinical testing. Allele origin: germline.
Comment: This variant is not present in population databases (gnomAD no frequency). This sequence change replaces isoleucine, which is neutral and non-polar, with threonine, which is neutral and polar, at codon 503 of the COL12A1 protein (p.Ile503Thr). This variant has not been reported in the literature in individuals affected with COL12A1-related conditions. In summary, the available evidence is currently insufficient to determine the role of this variant in disease. Therefore, it has been classified as a Variant of Uncertain Significance. Algorithms developed to predict the effect of missense changes on protein structure and function are either unavailable or do not agree on the potential impact of this missense change (SIFT: "Deleterious"; PolyPhen-2: "Probably Damaging"; Align-GVGD: "Class C0").